The following is an entry in ClinVar:

ClinVar aggregate classification (germline): Pathogenic/Likely pathogenic. Review status: criteria provided, multiple submitters, no conflicts (2 of 4 stars). 3 submissions from 3 submitters: Pathogenic (2); Likely pathogenic (1). Last evaluated 2025-06-12.

Conditions:
Osteogenesis imperfecta with normal sclerae, dominant form (OI4). Also called: OSTEOGENESIS IMPERFECTA, TYPE IV, WITH DENTINOGENESIS IMPERFECTA; OSTEOGENESIS IMPERFECTA WITH NORMAL SCLERAE; Osteogenesis imperfecta type 4; Common Variable Osteogenesis Imperfecta with Normal Sclerae; Osteogenesis Imperfecta Type IV. Identifiers: Orphanet 216820, Orphanet 666, MedGen C0268363, MONDO:0008148, OMIM 166220.
Ehlers-Danlos syndrome, classic type, 1 (EDSCL1). Also called: Ehlers-Danlos Syndrome, Classic Type, COL5A1-Related; EHLERS-DANLOS SYNDROME, GRAVIS TYPE; EHLERS-DANLOS SYNDROME, SEVERE CLASSIC TYPE; Ehlers-Danlos syndrome, type 1; EDS I. Identifiers: MedGen C0268335, MONDO:0019567, OMIM 130000.
Osteogenesis imperfecta type I (OI1). Also called: OI, TYPE I; OSTEOGENESIS IMPERFECTA TARDA; OSTEOGENESIS IMPERFECTA WITH BLUE SCLERAE; Osteogenesis imperfecta type 1; Classic Non-deforming Osteogenesis Imperfecta with Blue Sclerae; Lobstein's Disease. Identifiers: Orphanet 216796, Orphanet 666, MedGen C0023931, MONDO:0008146, OMIM 166200. Disease mechanism: loss of function.
COL1A2-related disorder. Also called: COL1A2-related condition; COL1A2-Related Disorders.

Submissions (3):

3billion
Classification: Likely pathogenic for COL1A2-related disorder. Last evaluated: 2025-06-12. Review status: criteria provided, single submitter. Criteria: ACMG Guidelines, 2015. Collection method: clinical testing. Allele origin: germline. Affected: yes.
Comment: The variant is not observed in the gnomAD v4.1.0 dataset. Predicted Consequence/Location: Missense variant. Missense changes are a common disease-causing mechanism. In silico tool predictions suggest damaging effect of the variant on gene or gene product [REVEL: 0.98 (>=0.6, sensitivity 0.68 and specificity 0.92); 3Cnet: 0.91 (> 0.75, sensitivity 0.96 and precision 0.92)]. The same nucleotide change resulting in the same amino acid change has been previously reported to be associated with COL1A2-related disorder (ClinVar ID: VCV002136572 /PMID: 17078022).A different missense change at the same codon (p.Gly973Val) has been reported to be associated with COL1A2-related disorder (ClinVar ID: VCV000425654 /PMID: 10408781). Therefore, this variant is classified as Likely pathogenic according to the recommendation of ACMG/AMP guideline.

Labcorp Genetics (formerly Invitae), Labcorp
Classification: Pathogenic for Osteogenesis imperfecta type I; Ehlers-Danlos syndrome, classic type, 1. Last evaluated: 2022-11-22. Review status: criteria provided, single submitter. Criteria: Invitae Variant Classification Sherloc (09022015). Collection method: clinical testing. Allele origin: germline.
Comment: For these reasons, this variant has been classified as Pathogenic. This variant disrupts the triple helix domain of COL1A2. Glycine residues within the Gly-Xaa-Yaa repeats of the triple helix domain are required for the structure and stability of fibrillar collagens (PMID: 7695699, 8218237, 19344236). In COL1A2, variants affecting these glycine residues are significantly enriched in individuals with disease (PMID: 9016532, 17078022) compared to the general population (ExAC). Advanced modeling of protein sequence and biophysical properties (such as structural, functional, and spatial information, amino acid conservation, physicochemical variation, residue mobility, and thermodynamic stability) performed at Invitae indicates that this missense variant is expected to disrupt COL1A2 protein function. This missense change has been observed in individual(s) with osteogenesis imperfecta (PMID: 17078022). This variant is not present in population databases (gnomAD no frequency). This sequence change replaces glycine, which is neutral and non-polar, with aspartic acid, which is acidic and polar, at codon 973 of the COL1A2 protein (p.Gly973Asp).

Clinical Biomedical Laboratory, Shriners Hospital For Children - Canada
Classification: Pathogenic for Osteogenesis imperfecta with normal sclerae, dominant form. Review status: criteria provided, single submitter. Criteria: ACMG Guidelines, 2015. Collection method: clinical testing. Allele origin: germline. Affected: yes.
Comment: The variant is absent in the Genome Aggregation Database (v2.1.1), indicating it is very rare. Computational tools (REVEL: 0.98) suggest that the amino acid change is deleterious to protein function. The variant has been reported in the literature as a cause of osteogenesis imperfecta (PMID 17078022). Glycine substitutions in the triple helical domain of the collagen type I alpha 2 chain cause disruption in the formation of the triple helix in the collagen type I molecule and are a typical cause of osteogenesis imperfecta (PMID 27509835). Based on the ACMG variant interpretation guidelines (criteria: PS3, PM2, PM5, PP2, PP3, PP4), the available evidence supports classification of this variant as pathogenic.

Literature cited by the submitters: PubMed 17078022 (cited by 3 submitters); PubMed 10408781 (cited by 3billion); PubMed 7695699 (cited by Labcorp Genetics (formerly Invitae), Labcorp); PubMed 8218237 (cited by Labcorp Genetics (formerly Invitae), Labcorp); PubMed 19344236 (cited by Labcorp Genetics (formerly Invitae), Labcorp); PubMed 9016532 (cited by Labcorp Genetics (formerly Invitae), Labcorp).

NM_000089.4(COL1A2):c.2918G>A (p.Gly973Asp)

Gene: COL1A2 (collagen type I alpha 2 chain; plus strand). Cytogenetic location: 7q21.3.
Variant type: single nucleotide variant.
Coding change: c.2918G>A on transcript NM_000089.4 (MANE Select); coding-DNA position 2918, G replaced by A.
Protein change: p.Gly973Asp; replaces glycine 973 with aspartic acid.
Molecular consequence: missense variant.
Genome position (GRCh38, 1-based): chr7:94,425,832, G>A. VCF-style: chr7-94425832-G-A. GRCh37 (hg19) VCF-style: chr7-94055144-G-A.
Other names: short protein forms G973D.
Identifiers: ClinVar variation 2136572 (VCV002136572.6), dbSNP rs67609234, ClinGen allele CA162939985.